The following is an entry in ClinVar:

ClinVar aggregate classification (germline): Benign/Likely benign. Review status: criteria provided, multiple submitters, no conflicts (2 of 4 stars). 9 submissions from 9 submitters: Benign (7); Likely benign (2). Last evaluated 2026-03-01.

Conditions:
Inborn genetic diseases. Identifiers: MedGen C0950123, MeSH D030342.
Kleefstra syndrome 1 (KLEFS1). Identifiers: Orphanet 261494, MedGen C0795833, MONDO:0027407, OMIM 610253.

Allele frequency attached by ClinVar (database versions not stated): 1000 Genomes Project 0.00120; 1000 Genomes Project 30x 0.00125; ExAC 0.00131; gnomAD exomes 0.00142 and 0.00235; gnomAD 0.00184 and 0.00190; TOPMed 0.00205; ESP Exome Variant Server 0.00277.
gnomAD v4.1: 3,718 of 1,613,250 alleles (0.23%); highest among the groups gnomAD compares: Non-Finnish European, 0.28%; 6 homozygotes.

Submissions (9):

CeGaT Center for Human Genetics Tuebingen
Classification: Likely benign. Last evaluated: 2026-03-01. Review status: criteria provided, single submitter. Criteria: CeGaT Center For Human Genetics Tuebingen Variant Classification Criteria Version 2. Collection method: clinical testing. Allele origin: germline. Affected: yes. Observed: 5 variant alleles.
Comment: EHMT1: BP4, BP7, BS1

Labcorp Genetics (formerly Invitae), Labcorp
Classification: Benign for Kleefstra syndrome 1. Last evaluated: 2026-01-28. Review status: criteria provided, single submitter. Criteria: Invitae Variant Classification Sherloc (09022015). Collection method: clinical testing. Allele origin: germline.

ARUP Laboratories, Molecular Genetics and Genomics, ARUP Laboratories
Classification: Benign for Kleefstra syndrome 1. Last evaluated: 2025-04-01. Review status: criteria provided, single submitter. Criteria: ARUP Molecular Germline Variant Investigation Process 2024. Collection method: clinical testing. Allele origin: germline.

Blueprint Genetics
Classification: Likely benign. Last evaluated: 2024-11-13. Review status: criteria provided, single submitter. Criteria: ACMG Guidelines, 2015. Collection method: clinical testing. Allele origin: germline.

GeneDx
Classification: Benign. Last evaluated: 2019-09-10. Review status: criteria provided, single submitter. Criteria: GeneDx Variant Classification Process June 2021. Collection method: clinical testing. Allele origin: germline. Affected: yes.

Ambry Genetics
Classification: Benign for Inborn genetic diseases. Last evaluated: 2016-05-05. Review status: criteria provided, single submitter. Criteria: Ambry Variant Classification Scheme 2023. Collection method: clinical testing. Allele origin: germline.

Genetic Services Laboratory, University of Chicago
Classification: Benign. Last evaluated: 2016-02-18. Review status: criteria provided, single submitter. Criteria: ACMG Guidelines, 2015. Collection method: clinical testing. Allele origin: germline. Affected: no.

Eurofins Ntd Llc (ga)
Classification: Benign. Last evaluated: 2013-08-28. Review status: criteria provided, single submitter. Criteria: EGL Classification Definitions 2015. Collection method: clinical testing. Allele origin: germline. Observed: 1 variant allele, 1 heterozygote.

Breakthrough Genomics
Classification: Benign. Review status: criteria provided, single submitter. Criteria: ACMG Guidelines, 2015. Collection method: not provided. Allele origin: germline. Inheritance: Autosomal dominant inheritance. Affected: yes.

NM_024757.5(EHMT1):c.3735C>T (p.Arg1245=)

Gene: EHMT1 (euchromatic histone lysine methyltransferase 1; plus strand). Cytogenetic location: 9q34.3.
Variant type: single nucleotide variant.
Coding change: c.3735C>T on transcript NM_024757.5 (MANE Select); coding-DNA position 3735, C replaced by T.
Protein change: p.Arg1245=; no amino-acid change (arginine 1245 retained).
Molecular consequence: synonymous variant.
Genome position (GRCh38, 1-based): chr9:137,834,791, C>T. VCF-style: chr9-137834791-C-T. GRCh37 (hg19) VCF-style: chr9-140729243-C-T.
Other names: c.3714C>T, p.Arg1238= (NM_001354263.2).
Identifiers: ClinVar variation 96160 (VCV000096160.52), dbSNP rs141797498, ClinGen allele CA149305.